The following is an entry in ClinVar:

NM_024675.4(PALB2):c.211+10G>T

Gene: PALB2 (partner and localizer of BRCA2; minus strand). Cytogenetic location: 16p12.2.
Variant type: single nucleotide variant.
Coding change: c.211+10G>T on transcript NM_024675.4 (MANE Select); 10 bases into the intron after coding-DNA position 211, G replaced by T.
Molecular consequence: intron variant.
Genome position (GRCh38, 1-based): chr16:23,637,840, C>A on the plus strand (G>T on the coding strand, the complement: PALB2 is on the minus strand). VCF-style: chr16-23637840-C-A. GRCh37 (hg19) VCF-style: chr16-23649161-C-A.
Identifiers: ClinVar variation 1115426 (VCV001115426.11), dbSNP rs1555462023, ClinGen allele CA2499223454.

ClinVar aggregate classification (germline): Likely benign. Review status: criteria provided, multiple submitters, no conflicts (2 of 4 stars). 2 submissions from 2 submitters: Likely benign (2). Last evaluated 2025-12-08.

Conditions:
Familial cancer of breast. Also called: hereditary breast carcinoma; BREAST CANCER, FAMILIAL; Hereditary breast cancer. Identifiers: Orphanet 227535, MedGen C0346153, MONDO:0016419, OMIM 114480. Disease mechanism: loss of function.

Submissions (2):

Labcorp Genetics (formerly Invitae), Labcorp
Classification: Likely benign for Familial cancer of breast. Last evaluated: 2025-12-08. Review status: criteria provided, single submitter. Criteria: Invitae Variant Classification Sherloc (09022015). Collection method: clinical testing. Allele origin: germline.

Myriad Genetics, Inc.
Classification: Likely benign for Familial cancer of breast. Last evaluated: 2025-01-09. Review status: criteria provided, single submitter. Criteria: Myriad Autosomal Dominant, Autosomal Recessive and X-Linked Classification Criteria (2023). Collection method: clinical testing. Allele origin: unknown.
Comment: This variant is considered likely benign. This variant is intronic and is not expected to impact mRNA splicing.